The following is an entry in ClinVar:

NM_032444.4(SLX4):c.3916C>T (p.Gln1306Ter)

Gene: SLX4 (SLX4 structure-specific endonuclease subunit; minus strand). Cytogenetic location: 16p13.3.
Variant type: single nucleotide variant.
Coding change: c.3916C>T on transcript NM_032444.4 (MANE Select); coding-DNA position 3916, C replaced by T.
Protein change: p.Gln1306Ter; replaces glutamine 1306 with a stop codon.
Molecular consequence: nonsense.
Genome position (GRCh38, 1-based): chr16:3,589,722, G>A on the plus strand (C>T on the coding strand, the complement: SLX4 is on the minus strand). VCF-style: chr16-3589722-G-A. GRCh37 (hg19) VCF-style: chr16-3639723-G-A.
Other names: short protein forms Q1306*.
Identifiers: ClinVar variation 1012390 (VCV001012390.42), dbSNP rs2040557100, ClinGen allele CA394518868.

ClinVar aggregate classification (germline): Pathogenic. Review status: criteria provided, multiple submitters, no conflicts (2 of 4 stars). 2 submissions from 2 submitters: Pathogenic (2). Last evaluated 2022-05-06.

Conditions:
Fanconi anemia (FA). Also called: Fanconi's anemia. Identifiers: Orphanet 84, MedGen C0015625, MeSH D005199, MONDO:0019391.

Submissions (2):

Labcorp Genetics (formerly Invitae), Labcorp
Classification: Pathogenic for Fanconi anemia. Last evaluated: 2022-05-06. Review status: criteria provided, single submitter. Criteria: Invitae Variant Classification Sherloc (09022015). Collection method: clinical testing. Allele origin: germline.
Comment: This sequence change creates a premature translational stop signal (p.Gln1306*) in the SLX4 gene. It is expected to result in an absent or disrupted protein product. Loss-of-function variants in SLX4 are known to be pathogenic (PMID: 21240277). This variant is not present in population databases (gnomAD no frequency). This premature translational stop signal has been observed in individual(s) with head and neck squamous cell carcinoma (PMID: 28678401). For these reasons, this variant has been classified as Pathogenic. ClinVar contains an entry for this variant (Variation ID: 1012390).

CeGaT Center for Human Genetics Tuebingen
Classification: Pathogenic. Last evaluated: 2020-09-01. Review status: criteria provided, single submitter. Criteria: CeGaT Center For Human Genetics Tuebingen Variant Classification Criteria Version 2. Collection method: clinical testing. Allele origin: germline. Affected: yes. Observed: 1 variant allele.

Literature cited by the submitters: PubMed 21240277 (cited by Labcorp Genetics (formerly Invitae), Labcorp); PubMed 28678401 (cited by Labcorp Genetics (formerly Invitae), Labcorp).